The following is an entry in ClinVar:

ClinVar aggregate classification (germline): Pathogenic (1 of 4 stars; one submission).

Conditions:
Juvenile polyposis syndrome (JPS). Identifiers: Orphanet 2929, MedGen C0345893, MONDO:0017380, OMIM 174900.

Submission:

Labcorp Genetics (formerly Invitae), Labcorp
Classification: Pathogenic for Juvenile polyposis syndrome. Last evaluated: 2022-12-05. Review status: criteria provided, single submitter. Criteria: Invitae Variant Classification Sherloc (09022015). Collection method: clinical testing. Allele origin: germline.
Comment: For these reasons, this variant has been classified as Pathogenic. This variant has not been reported in the literature in individuals affected with SMAD4-related conditions. This variant is not present in population databases (gnomAD no frequency). This sequence change creates a premature translational stop signal (p.Tyr430Thrfs*6) in the SMAD4 gene. It is expected to result in an absent or disrupted protein product. Loss-of-function variants in SMAD4 are known to be pathogenic (PMID: 16152648, 16436638, 22810475).

Literature cited by the submitters: PubMed 16152648; PubMed 16436638; PubMed 22810475.

NM_005359.6(SMAD4):c.1287del (p.Tyr430fs)

Gene: SMAD4 (SMAD family member 4; plus strand). Cytogenetic location: 18q21.2.
Variant type: Deletion.
Coding change: c.1287del on transcript NM_005359.6 (MANE Select); coding-DNA position 1287, one base deleted (C; older notation c.1287delC).
Protein change: p.Tyr430fs; shifts the reading frame from tyrosine 430.
Molecular consequence: frameshift variant. On other transcripts: non-coding transcript variant (1).
Genome position (GRCh38, 1-based): chr18:51,067,166, C deleted. VCF-style (leftmost placement, unchanged base first): chr18-51067165-TC-T. GRCh37 (hg19) VCF-style: chr18-48593535-TC-T.
Other names: c.1287del, p.Tyr430fs (NM_001407041.1, NM_001407042.1); short protein forms Y430fs.
Identifiers: ClinVar variation 2818842 (VCV002818842.3), dbSNP rs2511384813, ClinGen allele CA2739268755.